The following is an entry in ClinVar:

NC_000010.11:g.99724124del

Gene: COX15 (cytochrome c oxidase assembly factor COX15; minus strand). Cytogenetic location: 10q24.2.
Variant type: Deletion.
Genome position: GRCh38 VCF-style: chr10-99724121-AC-A. GRCh37 (hg19) VCF-style: chr10-101483878-AC-A.
Identifiers: ClinVar variation 2817347 (VCV002817347.3), dbSNP rs2492707758, ClinGen allele CA2739270960.

ClinVar aggregate classification (germline): Pathogenic (1 of 4 stars; one submission).

Submission:

Labcorp Genetics (formerly Invitae), Labcorp
Classification: Pathogenic. Last evaluated: 2022-11-29. Review status: criteria provided, single submitter. Criteria: Invitae Variant Classification Sherloc (09022015). Collection method: clinical testing. Allele origin: germline.
Comment: This variant has not been reported in the literature in individuals affected with COX15-related conditions. This variant is not present in population databases (gnomAD no frequency). This sequence change creates a premature translational stop signal (p.Gly195Valfs*8) in the COX15 gene. It is expected to result in an absent or disrupted protein product. Loss-of-function variants in COX15 are known to be pathogenic (PMID: 15863660, 21412973). For these reasons, this variant has been classified as Pathogenic.

Literature cited by the submitters: PubMed 15863660; PubMed 21412973.